The following is an entry in ClinVar:

NM_058216.3(RAD51C):c.209_210del (p.Thr70fs)

Gene: RAD51C (RAD51 paralog C; plus strand). Cytogenetic location: 17q22.
Variant type: Microsatellite.
Coding change: c.209_210del on transcript NM_058216.3 (MANE Select); coding-DNA positions 209 to 210, 2 bases deleted (CA; older notation c.209_210delCA).
Protein change: p.Thr70fs; shifts the reading frame from threonine 70.
Molecular consequence: frameshift variant. On other transcripts: non-coding transcript variant (2).
Genome position (GRCh38, 1-based): chr17:58,694,994-58,694,995, CA deleted; deleting any 2 consecutive bases within chr17:58,694,992-58,694,995 gives the same sequence; the c. name uses the placement nearest the transcript's 3' end. VCF-style (leftmost placement, unchanged base first): chr17-58694991-TCA-T. GRCh37 (hg19) VCF-style: chr17-56772352-TCA-T.
Other names: c.209_210del, p.Thr70fs (NM_002876.4); c.207_208CA[1], p.Thr70Lysfs (NM_058217.1); short protein forms T70fs.
Identifiers: ClinVar variation 2045292 (VCV002045292.4), dbSNP rs2509273792, ClinGen allele CA2580612653.

ClinVar aggregate classification (germline): Pathogenic (1 of 4 stars; one submission).

Conditions:
Fanconi anemia complementation group O. Also called: RAD51C-Related Fanconi Anemia. Identifiers: Orphanet 84, MedGen C3150653, MONDO:0013248, OMIM 613390.

Submission:

Labcorp Genetics (formerly Invitae), Labcorp
Classification: Pathogenic for Fanconi anemia complementation group O. Last evaluated: 2022-03-01. Review status: criteria provided, single submitter. Criteria: Invitae Variant Classification Sherloc (09022015). Collection method: clinical testing. Allele origin: germline.
Comment: This variant is not present in population databases (gnomAD no frequency). For these reasons, this variant has been classified as Pathogenic. This variant has not been reported in the literature in individuals affected with RAD51C-related conditions. This sequence change creates a premature translational stop signal (p.Thr70Lysfs*2) in the RAD51C gene. It is expected to result in an absent or disrupted protein product. Loss-of-function variants in RAD51C are known to be pathogenic (PMID: 20400964, 21990120, 24800917).

Literature cited by the submitters: PubMed 20400964; PubMed 21990120; PubMed 24800917.